The following is an entry in ClinVar:

NM_000268.4(NF2):c.80T>C (p.Val27Ala)

Gene: NF2 (NF2, moesin-ezrin-radixin like (MERLIN) tumor suppressor; plus strand). Cytogenetic location: 22q12.2.
Variant type: single nucleotide variant.
Coding change: c.80T>C on transcript NM_000268.4 (MANE Select); coding-DNA position 80, T replaced by C.
Protein change: p.Val27Ala; replaces valine 27 with alanine.
Molecular consequence: missense variant. On other transcripts: 5 prime UTR variant (4), non-coding transcript variant (1).
Genome position (GRCh38, 1-based): chr22:29,604,078, T>C. VCF-style: chr22-29604078-T-C. GRCh37 (hg19) VCF-style: chr22-30000067-T-C.
Other names: c.-151T>C (NM_001407053.1, NM_001407056.1); c.80T>C, p.Val27Ala (NM_001407054.1, NM_001407055.1, NM_001407057.1 and 15 more transcripts); c.-561T>C (NM_001407065.1); c.-177T>C (NM_001407067.1); short protein forms V27A.
Identifiers: ClinVar variation 2707727 (VCV002707727.4), dbSNP rs2518227529, ClinGen allele CA411146137.

ClinVar aggregate classification (germline): Uncertain significance. Review status: criteria provided, multiple submitters, no conflicts (2 of 4 stars). 2 submissions from 2 submitters: Uncertain significance (2). Last evaluated 2025-06-12.

Conditions:
Hereditary cancer-predisposing syndrome. Also called: Neoplastic Syndromes, Hereditary; Tumor predisposition; Hereditary Cancer Syndrome; Hereditary neoplastic syndrome. Identifiers: Orphanet 140162, MedGen C0027672, MeSH D009386, MONDO:0015356.
Neurofibromatosis, type 2 (SWNV). Also called: BILATERAL ACOUSTIC NEUROFIBROMATOSIS; SCHWANNOMATOSIS, VESTIBULAR; NF2-Related Schwannomatosis. Identifiers: Orphanet 637, MedGen C0027832, MONDO:0007039, OMIM 101000. Disease mechanism: loss of function.

Submissions (2):

Ambry Genetics
Classification: Uncertain significance for Hereditary cancer-predisposing syndrome. Last evaluated: 2025-06-12. Review status: criteria provided, single submitter. Criteria: Ambry Variant Classification Scheme 2023. Collection method: clinical testing. Allele origin: germline.
Comment: The p.V27A variant (also known as c.80T>C), located in coding exon 1 of the NF2 gene, results from a T to C substitution at nucleotide position 80. The valine at codon 27 is replaced by alanine, an amino acid with similar properties. This amino acid position is conserved. In addition, this alteration is predicted to be tolerated by in silico analysis. Based on the available evidence, the clinical significance of this variant remains unclear.

Labcorp Genetics (formerly Invitae), Labcorp
Classification: Uncertain significance for Neurofibromatosis, type 2. Last evaluated: 2024-01-05. Review status: criteria provided, single submitter. Criteria: Invitae Variant Classification Sherloc (09022015). Collection method: clinical testing. Allele origin: germline.
Comment: This sequence change replaces valine, which is neutral and non-polar, with alanine, which is neutral and non-polar, at codon 27 of the NF2 protein (p.Val27Ala). This variant is not present in population databases (gnomAD no frequency). This variant has not been reported in the literature in individuals affected with NF2-related conditions. Advanced modeling of protein sequence and biophysical properties (such as structural, functional, and spatial information, amino acid conservation, physicochemical variation, residue mobility, and thermodynamic stability) performed at Invitae indicates that this missense variant is not expected to disrupt NF2 protein function with a negative predictive value of 80%. In summary, the available evidence is currently insufficient to determine the role of this variant in disease. Therefore, it has been classified as a Variant of Uncertain Significance.